The following is an entry in ClinVar:

ClinVar aggregate classification (germline): Uncertain significance (1 of 4 stars; one submission).

Conditions:
Cardiovascular phenotype. Identifiers: MedGen CN230736.
Hereditary cancer-predisposing syndrome. Also called: Neoplastic Syndromes, Hereditary; Tumor predisposition; Hereditary neoplastic syndrome; Hereditary Cancer Syndrome. Identifiers: Orphanet 140162, MedGen C0027672, MeSH D009386, MONDO:0015356.

Submission:

Ambry Genetics
Classification: Uncertain significance for Cardiovascular phenotype; Hereditary cancer-predisposing syndrome. Last evaluated: 2025-05-25. Review status: criteria provided, single submitter. Criteria: Ambry Variant Classification Scheme 2023. Collection method: clinical testing. Allele origin: germline.
Comment: The p.Q1055R variant (also known as c.3164A>G), located in coding exon 24 of the NF1 gene, results from an A to G substitution at nucleotide position 3164. The glutamine at codon 1055 is replaced by arginine, an amino acid with highly similar properties. This amino acid position is conserved. In addition, this alteration is predicted to be tolerated by in silico analysis. Based on the available evidence, the clinical significance of this variant remains unclear.

NM_001042492.3(NF1):c.3164A>G (p.Gln1055Arg)

Gene: NF1 (neurofibromin 1; plus strand). Cytogenetic location: 17q11.2.
Variant type: single nucleotide variant.
Coding change: c.3164A>G on transcript NM_001042492.3 (MANE Select); coding-DNA position 3164, A replaced by G.
Protein change: p.Gln1055Arg; replaces glutamine 1055 with arginine.
Molecular consequence: missense variant.
Genome position (GRCh38, 1-based): chr17:31,230,892, A>G. VCF-style: chr17-31230892-A-G. GRCh37 (hg19) VCF-style: chr17-29557910-A-G.
Other names: c.3164A>G, p.Gln1055Arg (NM_000267.4); short protein forms Q1055R.
Identifiers: ClinVar variation 4033847 (VCV004033847.1).